The following is an entry in ClinVar:

ClinVar aggregate classification (germline): Uncertain significance (1 of 4 stars; one submission).

Allele frequency attached by ClinVar (database versions not stated): gnomAD 0.00001; TOPMed 0.00001; ExAC 0.00002; gnomAD exomes 0.00002.
gnomAD v4.1: 34 of 1,613,662 alleles (0.0021%); highest among the groups gnomAD compares: Admixed American, 0.0083%; no homozygotes.

Submission:

Labcorp Genetics (formerly Invitae), Labcorp
Classification: Uncertain significance. Last evaluated: 2022-11-16. Review status: criteria provided, single submitter. Criteria: Invitae Variant Classification Sherloc (09022015). Collection method: clinical testing. Allele origin: germline.
Comment: In summary, the available evidence is currently insufficient to determine the role of this variant in disease. Therefore, it has been classified as a Variant of Uncertain Significance. Advanced modeling of protein sequence and biophysical properties (such as structural, functional, and spatial information, amino acid conservation, physicochemical variation, residue mobility, and thermodynamic stability) performed at Invitae indicates that this missense variant is expected to disrupt MMP9 protein function. This variant has not been reported in the literature in individuals affected with MMP9-related conditions. This variant is present in population databases (rs201169008, gnomAD 0.009%). This sequence change replaces glycine, which is neutral and non-polar, with alanine, which is neutral and non-polar, at codon 438 of the MMP9 protein (p.Gly438Ala).

NM_004994.3(MMP9):c.1313G>C (p.Gly438Ala)

Gene: MMP9 (matrix metallopeptidase 9; plus strand). Cytogenetic location: 20q13.12.
Variant type: single nucleotide variant.
Coding change: c.1313G>C on transcript NM_004994.3 (MANE Select); coding-DNA position 1313, G replaced by C.
Protein change: p.Gly438Ala; replaces glycine 438 with alanine.
Molecular consequence: missense variant.
Genome position (GRCh38, 1-based): chr20:46,012,565, G>C. VCF-style: chr20-46012565-G-C. GRCh37 (hg19) VCF-style: chr20-44641204-G-C.
Other names: short protein forms G438A.
Identifiers: ClinVar variation 1924754 (VCV001924754.5), dbSNP rs201169008, ClinGen allele CA9886698.